The following is an entry in ClinVar:

ClinVar aggregate classification (germline): Uncertain significance. Review status: criteria provided, multiple submitters, no conflicts (2 of 4 stars). 3 submissions from 3 submitters: Uncertain significance (3). Last evaluated 2023-09-24.

Conditions:
Cardiovascular phenotype. Identifiers: MedGen CN230736.
Hypertrophic cardiomyopathy 9. Also called: Familial hypertrophic cardiomyopathy 9. Identifiers: MedGen C1861065, MONDO:0013412, OMIM 613765.
Tibial muscular dystrophy (TMD). Also called: UDD MYOPATHY; Udd Distal Myopathy – Tibial Muscular Dystrophy; Tibial muscular dystrophy, tardive. Identifiers: Orphanet 609, MedGen C1838244, MONDO:0010870, OMIM 600334.
Early-onset myopathy with fatal cardiomyopathy (CMYO5). Also called: Salih Myopathy; CONGENITAL MYOPATHY 5 WITH CARDIOMYOPATHY. Identifiers: Orphanet 289377, MedGen C2673677, MONDO:0012714, OMIM 611705. Disease mechanism: loss of function.
Myopathy, myofibrillar, 9, with early respiratory failure (MFM9). Also called: MYOPATHY, PROXIMAL, WITH EARLY RESPIRATORY MUSCLE INVOLVEMENT; Hereditary myopathy with early respiratory failure; EDSTROM MYOPATHY; Myopathy, distal, with early respiratory failure, autosomal dominant. Identifiers: Orphanet 178464, Orphanet 34521, MedGen C1863599, MONDO:0011362, OMIM 603689.
Dilated cardiomyopathy 1G (CMD1G). Identifiers: Orphanet 154, MedGen C1858763, MONDO:0011400, OMIM 604145.
Autosomal recessive limb-girdle muscular dystrophy type 2J (LGMDR10). Also called: Limb-girdle muscular dystrophy, type 2J; MUSCULAR DYSTROPHY, LIMB-GIRDLE, AUTOSOMAL RECESSIVE 10. Identifiers: Orphanet 140922, MedGen C1837342, MONDO:0012127, OMIM 608807.
Autosomal recessive centronuclear myopathy. Also called: Centronuclear Myopathy, Recessive. Identifiers: Orphanet 169186, MedGen C3645536, MONDO:0015705.
Primary dilated cardiomyopathy (DCM). Also called: Dilated Cardiomyopathy. Identifiers: Orphanet 217604, MedGen C0007193, MeSH D002311, MONDO:0005021, HP:0001644. Inheritance: Various modes of inheritance.

Allele frequency attached by ClinVar (database versions not stated): gnomAD exomes below 0.00001.
gnomAD v4.1: 1 of 1,613,852 alleles (0.000062%); highest among the groups gnomAD compares: Non-Finnish European, 0.000085%; no homozygotes.

Submissions (3):

Labcorp Genetics (formerly Invitae), Labcorp
Classification: Uncertain significance for Dilated cardiomyopathy 1G; Autosomal recessive limb-girdle muscular dystrophy type 2J. Last evaluated: 2023-09-24. Review status: criteria provided, single submitter. Criteria: Invitae Variant Classification Sherloc (09022015). Collection method: clinical testing. Allele origin: germline.
Comment: In summary, the available evidence is currently insufficient to determine the role of this variant in disease. Therefore, it has been classified as a Variant of Uncertain Significance. This variant is located in the M band of TTN (PMID: 25589632). Variants in this region may be relevant for neuromuscular disorders, but have not been definitively shown to cause cardiomyopathy (PMID: 23975875). Algorithms developed to predict the effect of missense changes on protein structure and function output the following: SIFT: "Not Available"; PolyPhen-2: "Not Available"; Align-GVGD: "Not Available". The arginine amino acid residue is found in multiple mammalian species, which suggests that this missense change does not adversely affect protein function. ClinVar contains an entry for this variant (Variation ID: 1043872). This variant has not been reported in the literature in individuals affected with TTN-related conditions. This variant is not present in population databases (gnomAD no frequency). This sequence change replaces glycine, which is neutral and non-polar, with arginine, which is basic and polar, at codon 35933 of the TTN protein (p.Gly35933Arg).

Fulgent Genetics
Classification: Uncertain significance for Tibial muscular dystrophy; Myopathy, myofibrillar, 9, with early respiratory failure; Dilated cardiomyopathy 1G; Autosomal recessive limb-girdle muscular dystrophy type 2J; Early-onset myopathy with fatal cardiomyopathy; Hypertrophic cardiomyopathy 9. Last evaluated: 2021-12-03. Review status: criteria provided, single submitter. Criteria: ACMG Guidelines, 2015. Collection method: clinical testing. Allele origin: unknown.

Ambry Genetics
Classification: Uncertain significance for Cardiovascular phenotype. Last evaluated: 2019-11-13. Review status: criteria provided, single submitter. Criteria: Ambry Variant Classification Scheme 2023. Collection method: clinical testing. Allele origin: germline.
Comment: The p.G26868R variant (also known as c.80602G>C), located in coding exon 190 of the TTN gene, results from a G to C substitution at nucleotide position 80602. The glycine at codon 26868 is replaced by arginine, an amino acid with dissimilar properties. This amino acid position is not well conserved in available vertebrate species. In addition, this alteration is predicted to be tolerated by in silico analysis. Since supporting evidence is limited at this time, the clinical significance of this alteration remains unclear.

Literature cited by the submitters: PubMed 25589632 (cited by Labcorp Genetics (formerly Invitae), Labcorp); PubMed 23975875 (cited by Labcorp Genetics (formerly Invitae), Labcorp).

NM_001267550.2(TTN):c.107797G>C (p.Gly35933Arg)

Genes: TTN (titin; minus strand), TTN-AS1 (TTN antisense RNA 1; plus strand). Cytogenetic location: 2q31.2.
Variant type: single nucleotide variant.
Coding change: c.107797G>C on transcript NM_001267550.2 (MANE Select); coding-DNA position 107797, G replaced by C.
Protein change: p.Gly35933Arg; replaces glycine 35933 with arginine.
Molecular consequence: missense variant.
Genome position (GRCh38, 1-based): chr2:178,527,191, C>G on the plus strand (G>C on the coding strand, the complement: TTN is on the minus strand). VCF-style: chr2-178527191-C-G. GRCh37 (hg19) VCF-style: chr2-179391918-C-G.
Other names: c.102874G>C, p.Gly34292Arg (NM_001256850.1); c.80602G>C, p.Gly26868Arg (NM_003319.4); c.100093G>C, p.Gly33365Arg (NM_133378.4); c.80977G>C, p.Gly26993Arg (NM_133432.3); c.81178G>C, p.Gly27060Arg (NM_133437.4); short protein forms G34292R, G26868R, G26993R, G33365R, G27060R, G35933R.
Identifiers: ClinVar variation 1043872 (VCV001043872.14), dbSNP rs1575170417, ClinGen allele CA349399005.